The following is an entry in ClinVar:

ClinVar aggregate classification (germline): Uncertain significance (1 of 4 stars; one submission).

Allele frequency attached by ClinVar (database versions not stated): ExAC 0.00001; gnomAD 0.00003.
gnomAD v4.1: 28 of 1,613,744 alleles (0.0017%); highest among the groups gnomAD compares: East Asian, 0.0045%; no homozygotes.

Submission:

Labcorp Genetics (formerly Invitae), Labcorp
Classification: Uncertain significance. Last evaluated: 2022-12-14. Review status: criteria provided, single submitter. Criteria: Invitae Variant Classification Sherloc (09022015). Collection method: clinical testing. Allele origin: germline.
Comment: In summary, the available evidence is currently insufficient to determine the role of this variant in disease. Therefore, it has been classified as a Variant of Uncertain Significance. Algorithms developed to predict the effect of missense changes on protein structure and function are either unavailable or do not agree on the potential impact of this missense change (SIFT: "Deleterious"; PolyPhen-2: "Probably Damaging"; Align-GVGD: "Class C0"). This variant has not been reported in the literature in individuals affected with DSCAML1-related conditions. This variant is present in population databases (rs766596981, gnomAD 0.01%). This sequence change replaces arginine, which is basic and polar, with histidine, which is basic and polar, at codon 275 of the DSCAML1 protein (p.Arg275His).

NM_020693.4(DSCAML1):c.644G>A (p.Arg215His)

Gene: DSCAML1 (DS cell adhesion molecule like 1; minus strand). Cytogenetic location: 11q23.3.
Variant type: single nucleotide variant.
Coding change: c.644G>A on transcript NM_020693.4 (MANE Select); coding-DNA position 644, G replaced by A.
Protein change: p.Arg215His; replaces arginine 215 with histidine.
Molecular consequence: missense variant.
Genome position (GRCh38, 1-based): chr11:117,532,390, C>T on the plus strand (G>A on the coding strand, the complement: DSCAML1 is on the minus strand). VCF-style: chr11-117532390-C-T. GRCh37 (hg19) VCF-style: chr11-117403105-C-T.
Other names: c.644G>A, p.Arg215His (NM_001367904.1); c.236G>A, p.Arg79His (NM_001367905.1); short protein forms R79H, R215H.
Identifiers: ClinVar variation 2178974 (VCV002178974.4), dbSNP rs766596981, ClinGen allele CA6297497.
Genomic context (GRCh38, chr11:117,532,390, plus strand): 5'-CCTCCCTTCCCAGCCTGCCCCGTTCTCCCCAGGCCCTCTCCCCTACCTGTCACAGAGAGG[C>T]GTGCCCCATTGCTCTGCCGGGTCTCCCCGCTATACTTGTGCTTGGTGATGCAGCGATAGG-3'
Protein context (NP_065744.3, residues 205-225): SGETRQSNGA[Arg215His]LSVTDPAESI